The following is an entry in ClinVar:

NM_001365536.1(SCN9A):c.919G>A (p.Glu307Lys)

Genes: SCN1A-AS1 (SCN1A and SCN9A antisense RNA 1; plus strand), SCN9A (sodium voltage-gated channel alpha subunit 9; minus strand). Cytogenetic location: 2q24.3.
Variant type: single nucleotide variant.
Coding change: c.919G>A on transcript NM_001365536.1 (MANE Select); coding-DNA position 919, G replaced by A.
Protein change: p.Glu307Lys; replaces glutamic acid 307 with lysine.
Molecular consequence: missense variant. On other transcripts: non-coding transcript variant (1).
Genome position (GRCh38, 1-based): chr2:166,294,645, C>T on the plus strand (G>A on the coding strand, the complement: SCN9A is on the minus strand). VCF-style: chr2-166294645-C-T. GRCh37 (hg19) VCF-style: chr2-167151155-C-T.
Other names: c.919G>A, p.Glu307Lys (NM_002977.4); short protein forms E307K.
Identifiers: ClinVar variation 2949927 (VCV002949927.3), dbSNP rs1186966667, ClinGen allele CA349089784.
Genomic context (GRCh38, chr2:166,294,645, plus strand): 5'-CAAATATTACATACCCTGAATCTGTGCTGAAACCACAAAGGAGAGCATCTTTGGATCCTT[C>T]CAAGTAATAAAAATATTCTGTTGAAGAAGAATTTGAACAGTTATAACATCACAGACTTTA-3'
Protein context (NP_001352465.1, residues 297-317): EDFRKYFYYL[Glu307Lys]GSKDALLCGF

ClinVar aggregate classification (germline): Uncertain significance (1 of 4 stars; one submission).

Conditions:
Neuropathy, hereditary sensory and autonomic, type 2A (HSAN2A). Also called: ACROOSTEOLYSIS, GIACCAI TYPE; ACROOSTEOLYSIS, NEUROGENIC; MORVAN DISEASE; NEUROPATHY, CONGENITAL SENSORY; NEUROPATHY, HEREDITARY SENSORY RADICULAR, AUTOSOMAL RECESSIVE; NEUROPATHY, HEREDITARY SENSORY, TYPE IIA. Identifiers: Orphanet 970, MedGen C2752089, MONDO:0024309, OMIM 201300.
Generalized epilepsy with febrile seizures plus, type 7 (GEFSP7). Also called: GEFS+, TYPE 7. Identifiers: Orphanet 36387, MedGen C2751778, MONDO:0013470, OMIM 613863.

Allele frequency attached by ClinVar (database versions not stated): gnomAD 0.00001.
gnomAD v4.1: 1 of 1,606,764 alleles (0.000062%); highest among the groups gnomAD compares: African/African-American, 0.0013%; no homozygotes.

Submission:

Labcorp Genetics (formerly Invitae), Labcorp
Classification: Uncertain significance for Neuropathy, hereditary sensory and autonomic, type 2A; Generalized epilepsy with febrile seizures plus, type 7. Last evaluated: 2023-12-14. Review status: criteria provided, single submitter. Criteria: Invitae Variant Classification Sherloc (09022015). Collection method: clinical testing. Allele origin: germline.
Comment: This sequence change replaces glutamic acid, which is acidic and polar, with lysine, which is basic and polar, at codon 307 of the SCN9A protein (p.Glu307Lys). This variant is present in population databases (no rsID available, gnomAD 0.01%). This variant has not been reported in the literature in individuals affected with SCN9A-related conditions. Advanced modeling of protein sequence and biophysical properties (such as structural, functional, and spatial information, amino acid conservation, physicochemical variation, residue mobility, and thermodynamic stability) performed at Invitae indicates that this missense variant is not expected to disrupt SCN9A protein function with a negative predictive value of 95%. In summary, the available evidence is currently insufficient to determine the role of this variant in disease. Therefore, it has been classified as a Variant of Uncertain Significance.